The following is an entry in ClinVar:

NM_006030.4(CACNA2D2):c.1346A>G (p.Tyr449Cys)

Gene: CACNA2D2 (calcium voltage-gated channel auxiliary subunit alpha2delta 2; minus strand). Cytogenetic location: 3p21.31.
Variant type: single nucleotide variant.
Coding change: c.1346A>G on transcript NM_006030.4 (MANE Select); coding-DNA position 1346, A replaced by G.
Protein change: p.Tyr449Cys; replaces tyrosine 449 with cysteine.
Molecular consequence: missense variant.
Genome position (GRCh38, 1-based): chr3:50,378,327, T>C on the plus strand (A>G on the coding strand, the complement: CACNA2D2 is on the minus strand). VCF-style: chr3-50378327-T-C. GRCh37 (hg19) VCF-style: chr3-50415758-T-C.
Other names: c.1346A>G, p.Tyr449Cys (NM_001005505.3, NM_001174051.3); c.1139A>G, p.Tyr380Cys (NM_001291101.1); short protein forms Y380C, Y449C.
Identifiers: ClinVar variation 1057899 (VCV001057899.6), dbSNP rs2106654222, ClinGen allele CA352930559.
Genomic context (GRCh38, chr3:50,378,327, plus strand): 5'-GCCTCCCCAAGTCTCACCTGTGTGTTGATGCGGATGGCTCCGATGGAAGGGATCTCAAAA[T>C]AGTAGCCTGTGAAGGAAGGAGAGGCAGAGGTGGGCCTGGCTGGCACTGCAGGATCCATGT-3'
Protein context (NP_006021.2, residues 439-459): QWMACANKGY[Tyr449Cys]FEIPSIGAIR

ClinVar aggregate classification (germline): Uncertain significance (1 of 4 stars; one submission).

Conditions:
Early-infantile DEE. Also called: Ohtahara syndrome; Early infantile epileptic encephalopathy with suppression bursts; Early infantile epileptic encephalopathy. Identifiers: Orphanet 1934, MedGen C0393706, MONDO:0800491.

Submission:

Labcorp Genetics (formerly Invitae), Labcorp
Classification: Uncertain significance for Early-infantile DEE. Last evaluated: 2020-08-30. Review status: criteria provided, single submitter. Criteria: Invitae Variant Classification Sherloc (09022015). Collection method: clinical testing. Allele origin: germline.
Comment: In summary, the available evidence is currently insufficient to determine the role of this variant in disease. Therefore, it has been classified as a Variant of Uncertain Significance. Algorithms developed to predict the effect of missense changes on protein structure and function are either unavailable or do not agree on the potential impact of this missense change (SIFT: "Deleterious"; PolyPhen-2: "Probably Damaging"; Align-GVGD: "Class C0"). This variant has not been reported in the literature in individuals with CACNA2D2-related conditions. This variant is not present in population databases (ExAC no frequency). This sequence change replaces tyrosine with cysteine at codon 449 of the CACNA2D2 protein (p.Tyr449Cys). The tyrosine residue is moderately conserved and there is a large physicochemical difference between tyrosine and cysteine.